The following is an entry in ClinVar:

ClinVar aggregate classification (germline): Uncertain significance (1 of 4 stars; one submission).

Conditions:
BDNF-related disorder. Also called: BDNF-related condition.

gnomAD v4.1: 3 of 1,614,034 alleles (0.00019%); highest among the groups gnomAD compares: Non-Finnish European, 0.00017%; no homozygotes.

Submission:

PreventionGenetics, part of Exact Sciences
Classification: Uncertain significance for BDNF-related condition. Last evaluated: 2025-03-27. Review status: criteria provided, single submitter. Criteria: ACMG Guidelines, 2015. Collection method: clinical testing. Allele origin: germline.
Comment: The BDNF c.697G>A variant is predicted to result in the amino acid substitution p.Ala233Thr. To our knowledge, this variant has not been reported in the literature. This variant is reported in 0.0065% of alleles in individuals of European (Non-Finnish) descent in gnomAD. At this time, the clinical significance of this variant is uncertain due to the absence of conclusive functional and genetic evidence.

NM_001709.5(BDNF):c.451G>A (p.Ala151Thr)

Genes: BDNF (brain derived neurotrophic factor; minus strand), BDNF-AS (BDNF antisense RNA; plus strand). Cytogenetic location: 11p14.1.
Variant type: single nucleotide variant.
Coding change: c.451G>A on transcript NM_001709.5 (MANE Select); coding-DNA position 451, G replaced by A.
Protein change: p.Ala151Thr; replaces alanine 151 with threonine.
Molecular consequence: missense variant.
Genome position (GRCh38, 1-based): chr11:27,658,114, C>T on the plus strand (G>A on the coding strand, the complement: BDNF is on the minus strand). VCF-style: chr11-27658114-C-T. GRCh37 (hg19) VCF-style: chr11-27679661-C-T.
Other names: c.451G>A, p.Ala151Thr (NM_001143805.1, NM_001143806.1, NM_001143807.2 and 9 more transcripts); c.538G>A, p.Ala180Thr (NM_001143809.2); c.697G>A, p.Ala233Thr (NM_001143810.2); c.475G>A, p.Ala159Thr (NM_170731.5); c.496G>A, p.Ala166Thr (NM_170734.4); short protein forms A151T, A180T, A159T, A166T, A233T.
Identifiers: ClinVar variation 5002069 (VCV005002069.1).